The following is an entry in ClinVar:

NM_001358530.2(MOCS1):c.277del (p.Val93fs)

Gene: MOCS1 (molybdenum cofactor synthesis 1; minus strand). Cytogenetic location: 6p21.2.
Variant type: Deletion.
Coding change: c.277del on transcript NM_001358530.2 (MANE Select); coding-DNA position 277, one base deleted (G; older notation c.277delG).
Protein change: p.Val93fs; shifts the reading frame from valine 93.
Molecular consequence: frameshift variant. On other transcripts: non-coding transcript variant (1).
Genome position (GRCh38, 1-based): chr6:39,925,819, C deleted on the plus strand (G on the coding strand, the reverse complement: MOCS1 is on the minus strand); the first of 5 consecutive C bases (chr6:39,925,819-39,925,823); deleting any one gives the same sequence. VCF-style (leftmost placement, unchanged base first): chr6-39925818-AC-A. GRCh37 (hg19) VCF-style: chr6-39893562-AC-A.
Other names: c.277del, p.Val93fs (NM_001075098.4, NM_001358529.2, NM_005943.6); c.16del, p.Val6fs (NM_001358531.2, NM_001358533.2, NM_001358534.2); short protein forms V93fs, V6fs.
Identifiers: ClinVar variation 2844954 (VCV002844954.3), dbSNP rs2482401023, ClinGen allele CA2739272997.

ClinVar aggregate classification (germline): Pathogenic (1 of 4 stars; one submission).

Conditions:
Sulfite oxidase deficiency due to molybdenum cofactor deficiency type A. Also called: Molybdenum cofactor deficiency, complementation group A; Molybdenum Cofactor Deficiency A. Identifiers: Orphanet 308386, Orphanet 833, MedGen C1854988, MONDO:0009643, OMIM 252150.

Submission:

Labcorp Genetics (formerly Invitae), Labcorp
Classification: Pathogenic for Sulfite oxidase deficiency due to molybdenum cofactor deficiency type A. Last evaluated: 2023-03-18. Review status: criteria provided, single submitter. Criteria: Invitae Variant Classification Sherloc (09022015). Collection method: clinical testing. Allele origin: germline.
Comment: For these reasons, this variant has been classified as Pathogenic. This variant has not been reported in the literature in individuals affected with MOCS1-related conditions. This variant is not present in population databases (gnomAD no frequency). This sequence change creates a premature translational stop signal (p.Val93Serfs*3) in the MOCS1 gene. It is expected to result in an absent or disrupted protein product. Loss-of-function variants in MOCS1 are known to be pathogenic (PMID: 12754701, 16021469).

Literature cited by the submitters: PubMed 12754701; PubMed 16021469.